The following is an entry in ClinVar:

ClinVar aggregate classification (germline): Uncertain significance (1 of 4 stars; one submission).

gnomAD v4.1: 4 of 1,602,522 alleles (0.00025%); highest among the groups gnomAD compares: African/African-American, 0.0054%; no homozygotes.

Submission:

GeneDx
Classification: Uncertain significance. Last evaluated: 2025-03-13. Review status: criteria provided, single submitter. Criteria: GeneDx Variant Classification Process June 2021. Collection method: clinical testing. Allele origin: germline. Affected: yes.
Comment: In silico analysis supports that this missense variant has a deleterious effect on protein structure/function; Has not been previously published as pathogenic or benign to our knowledge

NM_001813.3(CENPE):c.2915C>G (p.Ser972Cys)

Gene: CENPE (centromere protein E; minus strand). Cytogenetic location: 4q24.
Variant type: single nucleotide variant.
Coding change: c.2915C>G on transcript NM_001813.3 (MANE Select); coding-DNA position 2915, C replaced by G.
Protein change: p.Ser972Cys; replaces serine 972 with cysteine.
Molecular consequence: missense variant.
Genome position (GRCh38, 1-based): chr4:103,158,418, G>C on the plus strand (C>G on the coding strand, the complement: CENPE is on the minus strand). VCF-style: chr4-103158418-G-C. GRCh37 (hg19) VCF-style: chr4-104079575-G-C.
Other names: c.2840C>G, p.Ser947Cys (NM_001286734.2); short protein forms S947C, S972C.
Identifiers: ClinVar variation 4083390 (VCV004083390.1).
Genomic context (GRCh38, chr4:103,158,418, plus strand): 5'-GAAACTTCCTCAGAAATTTTCGATTTTAGTGTATTAATTGTTTCTTGATGTTGTTTCAGA[G>C]ACTCAAGAGCATTTCGTAATTGTTCTTGAGTATCTATATTCTTTGTTAGAAAAATATAAA-3'
Protein context (NP_001804.2, residues 962-982): TQEQLRNALE[Ser972Cys]LKQHQETINT